The following is an entry in ClinVar:

NM_175875.5(SIX5):c.1903C>T (p.Pro635Ser)

Gene: SIX5 (SIX homeobox 5; minus strand). Cytogenetic location: 19q13.32.
Variant type: single nucleotide variant.
Coding change: c.1903C>T on transcript NM_175875.5 (MANE Select); coding-DNA position 1903, C replaced by T.
Protein change: p.Pro635Ser; replaces proline 635 with serine.
Molecular consequence: missense variant.
Genome position (GRCh38, 1-based): chr19:45,765,818, G>A on the plus strand (C>T on the coding strand, the complement: SIX5 is on the minus strand). VCF-style: chr19-45765818-G-A. GRCh37 (hg19) VCF-style: chr19-46269076-G-A.
Other names: short protein forms P635S.
Identifiers: ClinVar variation 262912 (VCV000262912.16), dbSNP rs2014576, ClinGen allele CA9520486.

ClinVar aggregate classification (germline): Benign. Review status: criteria provided, multiple submitters, no conflicts (2 of 4 stars). 8 submissions from 8 submitters: Benign (6). 2 of the submissions do not count toward it. Last evaluated 2026-02-04.

Conditions:
Branchiootorenal syndrome 2 (BOR2). Identifiers: Orphanet 107, MedGen C1970479, MONDO:0012575, OMIM 610896.

Allele frequency attached by ClinVar (database versions not stated): gnomAD exomes 0.50559; ExAC 0.50662; ESP Exome Variant Server 0.40317; gnomAD 0.43324 and 0.44355; TOPMed 0.44602; 1000 Genomes Project 30x 0.49906; 1000 Genomes Project 0.50100.

Submissions (8):

Labcorp Genetics (formerly Invitae), Labcorp
Classification: Benign. Last evaluated: 2026-02-04. Review status: criteria provided, single submitter. Criteria: Invitae Variant Classification Sherloc (09022015). Collection method: clinical testing. Allele origin: germline.

Blueprint Genetics
Classification: Benign. Last evaluated: 2024-11-28. Review status: criteria provided, single submitter. Criteria: ACMG Guidelines, 2015. Collection method: clinical testing. Allele origin: germline.

Genome-Nilou Lab
Classification: Benign for Branchiootorenal syndrome 2. Last evaluated: 2021-07-15. Review status: criteria provided, single submitter. Criteria: ACMG Guidelines, 2015. Collection method: clinical testing. Allele origin: germline. Affected: no.

GeneDx
Classification: Benign. Last evaluated: 2017-05-09. Review status: criteria provided, single submitter. Criteria: GeneDx Variant Classification (06012015). Collection method: clinical testing. Allele origin: germline. Affected: yes.
Comment: This variant is considered likely benign or benign based on one or more of the following criteria: it is a conservative change, it occurs at a poorly conserved position in the protein, it is predicted to be benign by multiple in silico algorithms, and/or has population frequency not consistent with disease.

Breakthrough Genomics
Classification: Benign. Review status: criteria provided, single submitter. Criteria: ACMG Guidelines, 2015. Collection method: not provided. Allele origin: germline. Inheritance: Unknown mechanism. Affected: yes.

PreventionGenetics, part of Exact Sciences
Classification: Benign. Review status: criteria provided, single submitter. Criteria: ACMG Guidelines, 2015. Collection method: clinical testing. Allele origin: germline.

Genome Diagnostics Laboratory, University Medical Center Utrecht
Classification: Benign. Review status: no assertion criteria provided. Collection method: clinical testing. Allele origin: germline. Affected: yes. Study: VKGL Data-share Consensus. Not counted in ClinVar's aggregate classification.

Joint Genome Diagnostic Labs from Nijmegen and Maastricht, Radboudumc and MUMC+
Classification: Benign. Review status: no assertion criteria provided. Collection method: clinical testing. Allele origin: germline. Affected: yes. Study: VKGL Data-share Consensus. Not counted in ClinVar's aggregate classification.